The following is an entry in ClinVar:

NM_181882.3(PRX):c.616C>T (p.Arg206Trp)

Gene: PRX (periaxin; minus strand). Cytogenetic location: 19q13.2.
Variant type: single nucleotide variant.
Coding change: c.616C>T on transcript NM_181882.3 (MANE Select); coding-DNA position 616, C replaced by T.
Protein change: p.Arg206Trp; replaces arginine 206 with tryptophan.
Molecular consequence: missense variant. On other transcripts: 3 prime UTR variant (1).
Genome position (GRCh38, 1-based): chr19:40,397,736, G>A on the plus strand (C>T on the coding strand, the complement: PRX is on the minus strand). VCF-style: chr19-40397736-G-A. GRCh37 (hg19) VCF-style: chr19-40903643-G-A.
Other names: c.901C>T, p.Arg301Trp (NM_001411127.1); c.*821C>T (NM_020956.2); short protein forms R301W, R206W.
Identifiers: ClinVar variation 2151474 (VCV002151474.2), dbSNP rs751187632, ClinGen allele CA9444416.
Genomic context (GRCh38, chr19:40,397,736, plus strand): 5'-CTGCAGCCACCTCAGCCTCCACCTTGGCTTTCCTGGGGGGAGGAGCGGCGGCGGCCAGCC[G>A]GGCTGCCTGAGCCTCTTCGGCCACTTCTCGTACACGCAGCCGAGGCAGCTGGAGGCGCCG-3'
Protein context (NP_870998.2, residues 196-216): REVAEEAQAA[Arg206Trp]LAAAAPPPRK

ClinVar aggregate classification (germline): Uncertain significance. Review status: criteria provided, multiple submitters, no conflicts (2 of 4 stars). 2 submissions from 2 submitters: Uncertain significance (2). Last evaluated 2024-10-07.

Conditions:
Inborn genetic diseases. Identifiers: MedGen C0950123, MeSH D030342.
Charcot-Marie-Tooth disease type 4. Also called: Charcot-Marie-Tooth, Type 4; Charcot-Marie-Tooth disease, type IV. Identifiers: Orphanet 64749, MedGen C4082197, MONDO:0018995.

Allele frequency attached by ClinVar (database versions not stated): gnomAD 0.00001; TOPMed 0.00001; ExAC 0.00006.
gnomAD v4.1: 8 of 1,561,698 alleles (0.00051%); highest among the groups gnomAD compares: Middle Eastern, 0.017%; no homozygotes.

Submissions (2):

Ambry Genetics
Classification: Uncertain significance for Inborn genetic diseases. Last evaluated: 2024-10-07. Review status: criteria provided, single submitter. Criteria: Ambry Variant Classification Scheme 2023. Collection method: clinical testing. Allele origin: germline.

Labcorp Genetics (formerly Invitae), Labcorp
Classification: Uncertain significance for Charcot-Marie-Tooth disease type 4. Last evaluated: 2021-09-17. Review status: criteria provided, single submitter. Criteria: Invitae Variant Classification Sherloc (09022015). Collection method: clinical testing. Allele origin: germline.
Comment: This sequence change replaces arginine with tryptophan at codon 206 of the PRX protein (p.Arg206Trp). The arginine residue is moderately conserved and there is a moderate physicochemical difference between arginine and tryptophan. This variant is present in population databases (rs751187632, ExAC 0.01%). This variant has not been reported in the literature in individuals affected with PRX-related conditions. Algorithms developed to predict the effect of missense changes on protein structure and function are either unavailable or do not agree on the potential impact of this missense change (SIFT: "Deleterious"; PolyPhen-2: "Possibly Damaging"; Align-GVGD: "Class C0"). In summary, the available evidence is currently insufficient to determine the role of this variant in disease. Therefore, it has been classified as a Variant of Uncertain Significance.